The following is an entry in ClinVar:

NM_004360.5(CDH1):c.1504G>T (p.Gly502Cys)

Gene: CDH1 (cadherin 1; plus strand). Cytogenetic location: 16q22.1.
Variant type: single nucleotide variant.
Coding change: c.1504G>T on transcript NM_004360.5 (MANE Select); coding-DNA position 1504, G replaced by T.
Protein change: p.Gly502Cys; replaces glycine 502 with cysteine.
Molecular consequence: missense variant. On other transcripts: 5 prime UTR variant (2).
Genome position (GRCh38, 1-based): chr16:68,815,698, G>T. VCF-style: chr16-68815698-G-T. GRCh37 (hg19) VCF-style: chr16-68849601-G-T.
Other names: c.1321G>T, p.Gly441Cys (NM_001317184.2); c.-45G>T (NM_001317185.2); c.-316G>T (NM_001317186.2); short protein forms G502C, G441C.
Identifiers: ClinVar variation 1464561 (VCV001464561.6), dbSNP rs2152135049, ClinGen allele CA396463290.

ClinVar aggregate classification (germline): Uncertain significance (1 of 4 stars; one submission).

Conditions:
Hereditary diffuse gastric adenocarcinoma (HDGC). Also called: DIFFUSE GASTRIC AND LOBULAR BREAST CANCER SYNDROME. Identifiers: Orphanet 26106, MedGen C1708349, MONDO:0007648, OMIM 137215.

Submission:

Labcorp Genetics (formerly Invitae), Labcorp
Classification: Uncertain significance for Hereditary diffuse gastric adenocarcinoma. Last evaluated: 2021-11-14. Review status: criteria provided, single submitter. Criteria: Invitae Variant Classification Sherloc (09022015). Collection method: clinical testing. Allele origin: germline.
Comment: In summary, the available evidence is currently insufficient to determine the role of this variant in disease. Therefore, it has been classified as a Variant of Uncertain Significance. Algorithms developed to predict the effect of missense changes on protein structure and function (SIFT, PolyPhen-2, Align-GVGD) all suggest that this variant is likely to be disruptive. This sequence change replaces glycine, which is neutral and non-polar, with cysteine, which is neutral and slightly polar, at codon 502 of the CDH1 protein (p.Gly502Cys). This variant is not present in population databases (gnomAD no frequency). This variant has not been reported in the literature in individuals affected with CDH1-related conditions.